The following is an entry in ClinVar:

NM_002700.3(POU4F3):c.146T>C (p.Phe49Ser)

Genes: POU4F3 (POU class 4 homeobox 3; plus strand), RBM27-POU4F3 (RBM27-POU4F3 readthrough; plus strand). Cytogenetic location: 5q32.
Variant type: single nucleotide variant.
Coding change: c.146T>C on transcript NM_002700.3 (MANE Select); coding-DNA position 146, T replaced by C.
Protein change: p.Phe49Ser; replaces phenylalanine 49 with serine.
Molecular consequence: missense variant. On other transcripts: 3 prime UTR variant (1).
Genome position (GRCh38, 1-based): chr5:146,339,573, T>C. VCF-style: chr5-146339573-T-C. GRCh37 (hg19) VCF-style: chr5-145719136-T-C.
Other names: c.*15T>C (NM_001414499.1); short protein forms F49S.
Identifiers: ClinVar variation 4853575 (VCV004853575.1).

ClinVar aggregate classification (germline): Uncertain significance (1 of 4 stars; one submission).

Submission:

Women's Health and Genetics/Laboratory Corporation of America, LabCorp
Classification: Uncertain significance. Last evaluated: 2026-05-04. Review status: criteria provided, single submitter. Criteria: LabCorp Variant Classification Summary - May 2015. Collection method: clinical testing. Allele origin: germline.
Comment: Variant summary: POU4F3 c.146T>C (p.Phe49Ser) results in a non-conservative amino acid change in the encoded protein sequence. Algorithms developed to predict the effect of missense changes on protein structure and function are either unavailable or do not agree on the potential impact of this missense change. The variant was absent in 251424 control chromosomes. The available data on variant occurrences in the general population are insufficient to allow any conclusion about variant significance. To our knowledge, no occurrence of c.146T>C in individuals affected with POU4F3-related conditions and no experimental evidence demonstrating its impact on protein function have been reported. No submitters have cited clinical-significance assessments for this variant to ClinVar. Based on the evidence outlined above, the variant was classified as uncertain significance.